The following is an entry in ClinVar:

ClinVar aggregate classification (germline): Uncertain significance. Review status: criteria provided, multiple submitters, no conflicts (2 of 4 stars). 3 submissions from 3 submitters: Uncertain significance (2). 1 of the submissions does not count toward it. Last evaluated 2024-05-09.

Conditions:
Epilepsy, familial focal, with variable foci 3 (FFEVF3). Identifiers: MedGen C4310708, MONDO:0014925, OMIM 617118.

Allele frequency attached by ClinVar (database versions not stated): gnomAD 0.00003 and 0.00004; TOPMed 0.00003; gnomAD exomes 0.00005 and 0.00006; ExAC 0.00006; ESP Exome Variant Server 0.00008.

Submissions (3):

Labcorp Genetics (formerly Invitae), Labcorp
Classification: Uncertain significance for Epilepsy, familial focal, with variable foci 3. Last evaluated: 2024-05-09. Review status: criteria provided, single submitter. Criteria: Invitae Variant Classification Sherloc (09022015). Collection method: clinical testing. Allele origin: germline.
Comment: This sequence change replaces histidine, which is basic and polar, with tyrosine, which is neutral and polar, at codon 96 of the NPRL3 protein (p.His96Tyr). This variant is present in population databases (rs374486402, gnomAD 0.01%). This variant has not been reported in the literature in individuals affected with NPRL3-related conditions. ClinVar contains an entry for this variant (Variation ID: 852709). Advanced modeling of protein sequence and biophysical properties (such as structural, functional, and spatial information, amino acid conservation, physicochemical variation, residue mobility, and thermodynamic stability) performed at Invitae indicates that this missense variant is not expected to disrupt NPRL3 protein function with a negative predictive value of 80%. In summary, the available evidence is currently insufficient to determine the role of this variant in disease. Therefore, it has been classified as a Variant of Uncertain Significance.

GeneDx
Classification: Uncertain significance. Last evaluated: 2021-07-08. Review status: criteria provided, single submitter. Criteria: GeneDx Variant Classification Process June 2021. Collection method: clinical testing. Allele origin: germline. Affected: yes.
Comment: In silico analysis supports that this missense variant has a deleterious effect on protein structure/function; Has not been previously published as pathogenic or benign to our knowledge; This variant is associated with the following publications: (PMID: 27535533)

Diagnostics Centre, Carl Von Ossietzky University Oldenburg
Classification: Uncertain significance. Last evaluated: 2025-06-11. Review status: no assertion criteria provided. Collection method: clinical testing. Allele origin: germline. Affected: yes. Observed: 1 variant allele. Not counted in ClinVar's aggregate classification.
Comment: The variant NPRL3:c.286C>T p.(His96Tyr) located in the coding exon 4 of the NPRL3 gene, results from an a cysteine to thymine substitution at nucleotide position c. 286. The hystidine residue at protein position 96 is replaced by a tyrosine. In silico tools predict a deleterious effect in the protein structure/function (REVEL = 0,77). The variant has been classified as variant of uncertain significance in two entries in ClinVar (VCV000852709.11). The variant is classified as rare in the overall population (MAF 5,7 * e-5 in gnomAD v4.1.0). In summary, the variant is classified as variant of uncertain significance.

NM_001077350.3(NPRL3):c.286C>T (p.His96Tyr)

Genes: HBA-LCR (alpha-globin locus control region; plus strand), NPRL3 (NPR3 like, GATOR1 complex subunit; minus strand). Cytogenetic location: 16p13.3.
Variant type: single nucleotide variant.
Coding change: c.286C>T on transcript NM_001077350.3 (MANE Select); coding-DNA position 286, C replaced by T.
Protein change: p.His96Tyr; replaces histidine 96 with tyrosine.
Molecular consequence: missense variant. On other transcripts: intron variant (1).
Genome position (GRCh38, 1-based): chr16:119,158, G>A on the plus strand (C>T on the coding strand, the complement: NPRL3 is on the minus strand). VCF-style: chr16-119158-G-A. GRCh37 (hg19) VCF-style: chr16-169157-G-A.
Other names: c.52C>T, p.His18Tyr (NM_001243247.2); c.286C>T, p.His96Tyr (NM_001243248.2, NM_001243249.2); c.-144-6383C>T (NM_001039476.3); short protein forms H18Y, H96Y.
Identifiers: ClinVar variation 852709 (VCV000852709.12), dbSNP rs374486402, ClinGen allele CA7769718.
Genomic context (GRCh38, chr16:119,158, plus strand): 5'-AGCCCCACCTGCCCAGGGAGAGCCATACCTGCCCCAGAGCATGCTGTAGCAGTGTTGGGT[G>A]CCCAACAAATCGCACATTATCAATCTTCAGTTCAAATTTTTGGCCACACATTTCAGACTT-3'
Protein context (NP_001070818.1, residues 86-106): LKIDNVRFVG[His96Tyr]PTLLQHALGQ